The following is an entry in ClinVar:

ClinVar aggregate classification (germline): Likely pathogenic. Review status: criteria provided, multiple submitters, no conflicts (2 of 4 stars). 2 submissions from 2 submitters: Likely pathogenic (2). Last evaluated 2023-06-04.

Conditions:
Autosomal recessive nonsyndromic hearing loss 23. Identifiers: Orphanet 90636, MedGen C1836027, MONDO:0012293, OMIM 609533.

Submissions (2):

Labcorp Genetics (formerly Invitae), Labcorp
Classification: Likely pathogenic. Last evaluated: 2023-06-04. Review status: criteria provided, single submitter. Criteria: Invitae Variant Classification Sherloc (09022015). Collection method: clinical testing. Allele origin: germline.
Comment: This variant has not been reported in the literature in individuals affected with PCDH15-related conditions. In summary, the currently available evidence indicates that the variant is pathogenic, but additional data are needed to prove that conclusively. Therefore, this variant has been classified as Likely Pathogenic. Algorithms developed to predict the effect of sequence changes on RNA splicing suggest that this variant may disrupt the consensus splice site. ClinVar contains an entry for this variant (Variation ID: 1804021). This variant is not present in population databases (gnomAD no frequency). This sequence change affects an acceptor splice site in intron 5 of the PCDH15 gene. It is expected to disrupt RNA splicing. Variants that disrupt the donor or acceptor splice site typically lead to a loss of protein function (PMID: 16199547), and loss-of-function variants in PCDH15 are known to be pathogenic (PMID: 11398101, 11487575, 14570705).

Institute of Human Genetics Munich, TUM University Hospital
Classification: Likely pathogenic for Autosomal recessive nonsyndromic hearing loss 23. Last evaluated: 2021-06-02. Review status: criteria provided, single submitter. Criteria: Classification criteria August 2017. Collection method: clinical testing. Allele origin: inherited. Inheritance: Autosomal recessive inheritance. Affected: yes. Observed: 1 variant allele.

Literature cited by the submitters: PubMed 16199547 (cited by Labcorp Genetics (formerly Invitae), Labcorp); PubMed 11398101 (cited by Labcorp Genetics (formerly Invitae), Labcorp); PubMed 11487575 (cited by Labcorp Genetics (formerly Invitae), Labcorp); PubMed 14570705 (cited by Labcorp Genetics (formerly Invitae), Labcorp).

NM_001384140.1(PCDH15):c.475-2A>G

Gene: PCDH15 (protocadherin related 15; minus strand). Cytogenetic location: 10q21.1.
Variant type: single nucleotide variant.
Coding change: c.475-2A>G on transcript NM_001384140.1 (MANE Select); the canonical splice acceptor site of the intron before coding-DNA position 475, A replaced by G.
Molecular consequence: splice acceptor variant.
Genome position (GRCh38, 1-based): chr10:54,346,486, T>C on the plus strand (A>G on the coding strand, the complement: PCDH15 is on the minus strand). VCF-style: chr10-54346486-T-C. GRCh37 (hg19) VCF-style: chr10-56106246-T-C.
Other names: c.475-2A>G (NM_001354420.2, NM_001354429.2, NM_001142772.2 and 8 more transcripts); c.490-2A>G (NM_001142771.2, NM_001142769.3, NM_001142763.2); c.409-2A>G (NM_001354404.2, NM_001142773.2, NM_001142768.2).
Identifiers: ClinVar variation 1804021 (VCV001804021.4), dbSNP rs2547717373, ClinGen allele CA376541845.